The following is an entry in ClinVar:

ClinVar aggregate classification (germline): Uncertain significance (1 of 4 stars; one submission).

Conditions:
Hereditary cancer-predisposing syndrome. Also called: Tumor predisposition; Neoplastic Syndromes, Hereditary; Hereditary Cancer Syndrome; Hereditary neoplastic syndrome. Identifiers: Orphanet 140162, MedGen C0027672, MeSH D009386, MONDO:0015356.

Submission:

Ambry Genetics
Classification: Uncertain significance for Hereditary cancer-predisposing syndrome. Last evaluated: 2025-01-31. Review status: criteria provided, single submitter. Criteria: Ambry Variant Classification Scheme 2023. Collection method: clinical testing. Allele origin: germline.
Comment: The p.K1736E variant (also known as c.5206A>G), located in coding exon 15 of the APC gene, results from an A to G substitution at nucleotide position 5206. The lysine at codon 1736 is replaced by glutamic acid, an amino acid with similar properties. This amino acid position is conserved. In addition, in silico predictors for this gene do not accurately predict pathogenicity. Based on the available evidence, the clinical significance of this variant remains unclear.

NM_000038.6(APC):c.5206A>G (p.Lys1736Glu)

Gene: APC (APC regulator of Wnt signaling pathway; plus strand). Cytogenetic location: 5q22.2.
Variant type: single nucleotide variant.
Coding change: c.5206A>G on transcript NM_000038.6 (MANE Select); coding-DNA position 5206, A replaced by G.
Protein change: p.Lys1736Glu; replaces lysine 1736 with glutamic acid.
Molecular consequence: missense variant. On other transcripts: non-coding transcript variant (2).
Genome position (GRCh38, 1-based): chr5:112,840,800, A>G. VCF-style: chr5-112840800-A-G. GRCh37 (hg19) VCF-style: chr5-112176497-A-G.
Other names: c.5206A>G, p.Lys1736Glu (NM_001127510.3, NM_001354895.2, NM_001407450.1); c.5152A>G, p.Lys1718Glu (NM_001127511.3); c.5260A>G, p.Lys1754Glu (NM_001354896.2, NM_001407447.1, NM_001407448.1 and 1 more transcripts); c.5236A>G, p.Lys1746Glu (NM_001354897.2); c.5131A>G, p.Lys1711Glu (NM_001354898.2); c.5122A>G, p.Lys1708Glu (NM_001354899.2); c.5083A>G, p.Lys1695Glu (NM_001354900.2); c.5029A>G, p.Lys1677Glu (NM_001354901.2, NM_001407453.1); and 11 more; short protein forms K1610E, K1635E, K1726E, K1746E, K1352E, K1677E, K1695E, K1736E.
Identifiers: ClinVar variation 3882166 (VCV003882166.1).